The following is an entry in ClinVar:

ClinVar aggregate classification (germline): Likely pathogenic (1 of 4 stars; one submission).

Conditions:
Joubert syndrome. Also called: Familial aplasia of the vermis; JOUBERT-BOLTSHAUSER SYNDROME; CEREBELLOPARENCHYMAL DISORDER IV. Identifiers: Orphanet 475, MedGen C5979921, MONDO:0018772.

Submission:

Natera, Inc.
Classification: Likely pathogenic for Joubert syndrome. Last evaluated: 2024-02-23. Review status: criteria provided, single submitter. Criteria: Natera Variant Classification Schema (03/2026). Collection method: clinical testing. Allele origin: germline.
Comment: The c.724G>T variant in RPGRIP1L is a nonsense variant predicted to introduce a stop codon at amino acid 242. This variant is expected to result in nonsense mediated decay, truncation, or a dysfunctional protein product. This variant is rare in the general population with a frequency below the threshold expected for the associated phenotype(s). Given the available evidence, this variant is classified as Likely Pathogenic.

NM_015272.5(RPGRIP1L):c.724G>T (p.Glu242Ter)

Gene: RPGRIP1L (RPGRIP1 like; minus strand). Cytogenetic location: 16q12.2.
Variant type: single nucleotide variant.
Coding change: c.724G>T on transcript NM_015272.5 (MANE Select); coding-DNA position 724, G replaced by T.
Protein change: p.Glu242Ter; replaces glutamic acid 242 with a stop codon.
Molecular consequence: nonsense.
Genome position (GRCh38, 1-based): chr16:53,686,485, C>A on the plus strand (G>T on the coding strand, the complement: RPGRIP1L is on the minus strand). VCF-style: chr16-53686485-C-A. GRCh37 (hg19) VCF-style: chr16-53720397-C-A.
Other names: c.724G>T, p.Glu242Ter (NM_001127897.4, NM_001308334.3, NM_001330538.2); short protein forms E242*.
Identifiers: ClinVar variation 4815850 (VCV004815850.1).